The following is an entry in ClinVar:

ClinVar aggregate classification (germline): Uncertain significance (1 of 4 stars; one submission).

Conditions:
AFF4-related disorder. Also called: AFF4-related condition.

gnomAD v4.1: 2 of 1,613,702 alleles (0.00012%); no homozygotes.

Submission:

PreventionGenetics, part of Exact Sciences
Classification: Uncertain significance for AFF4-related condition. Last evaluated: 2024-11-25. Review status: criteria provided, single submitter. Criteria: ACMG Guidelines, 2015. Collection method: clinical testing. Allele origin: germline.
Comment: The AFF4 c.3161C>T variant is predicted to result in the amino acid substitution p.Pro1054Leu. To our knowledge, this variant has not been reported in the literature. This variant is reported in 0.0018% of alleles in individuals of European (Non-Finnish) descent in gnomAD. At this time, the clinical significance of this variant is uncertain due to the absence of conclusive functional and genetic evidence.

NM_014423.4(AFF4):c.3161C>T (p.Pro1054Leu)

Gene: AFF4 (ALF transcription elongation factor 4; minus strand). Cytogenetic location: 5q31.1.
Variant type: single nucleotide variant.
Coding change: c.3161C>T on transcript NM_014423.4 (MANE Select); coding-DNA position 3161, C replaced by T.
Protein change: p.Pro1054Leu; replaces proline 1054 with leucine.
Molecular consequence: missense variant.
Genome position (GRCh38, 1-based): chr5:132,883,543, G>A on the plus strand (C>T on the coding strand, the complement: AFF4 is on the minus strand). VCF-style: chr5-132883543-G-A. GRCh37 (hg19) VCF-style: chr5-132219235-G-A.
Other names: short protein forms P1054L.
Identifiers: ClinVar variation 4987739 (VCV004987739.1).